The following is an entry in ClinVar:

NM_000388.4(CASR):c.933C>A (p.Phe311Leu)

Gene: CASR (calcium sensing receptor; plus strand). Cytogenetic location: 3q21.1.
Variant type: single nucleotide variant.
Coding change: c.933C>A on transcript NM_000388.4 (MANE Select); coding-DNA position 933, C replaced by A.
Protein change: p.Phe311Leu; replaces phenylalanine 311 with leucine.
Molecular consequence: missense variant.
Genome position (GRCh38, 1-based): chr3:122,261,968, C>A. VCF-style: chr3-122261968-C-A. GRCh37 (hg19) VCF-style: chr3-121980815-C-A.
Other names: c.933C>A, p.Phe311Leu (NM_001178065.2); short protein forms F311L.
Identifiers: ClinVar variation 1766616 (VCV001766616.2), dbSNP rs2473227276, ClinGen allele CA354151665.

ClinVar aggregate classification (germline): Uncertain significance (1 of 4 stars; one submission).

Conditions:
Nephrolithiasis/nephrocalcinosis. Identifiers: MedGen CN580796.

Submission:

Ambry Genetics
Classification: Uncertain significance for Nephrolithiasis/nephrocalcinosis. Last evaluated: 2022-07-18. Review status: criteria provided, single submitter. Criteria: Ambry Variant Classification Scheme 2023. Collection method: clinical testing. Allele origin: germline.
Comment: The p.F311L variant (also known as c.933C>A), located in coding exon 3 of the CASR gene, results from a C to A substitution at nucleotide position 933. The phenylalanine at codon 311 is replaced by leucine, an amino acid with highly similar properties. This amino acid position is conserved. In addition, this alteration is predicted to be tolerated by in silico analysis. Since supporting evidence is limited at this time, the clinical significance of this alteration remains unclear.